The following is an entry in ClinVar:

NM_005912.3(MC4R):c.104A>G (p.Tyr35Cys)

Gene: MC4R (melanocortin 4 receptor; minus strand). Cytogenetic location: 18q21.32.
Variant type: single nucleotide variant.
Coding change: c.104A>G on transcript NM_005912.3 (MANE Select); coding-DNA position 104, A replaced by G.
Protein change: p.Tyr35Cys; replaces tyrosine 35 with cysteine.
Molecular consequence: missense variant.
Genome position (GRCh38, 1-based): chr18:60,372,246, T>C on the plus strand (A>G on the coding strand, the complement: MC4R is on the minus strand). VCF-style: chr18-60372246-T-C. GRCh37 (hg19) VCF-style: chr18-58039479-T-C.
Other names: short protein forms Y35C.
Identifiers: ClinVar variation 4978414 (VCV004978414.1).

ClinVar aggregate classification (germline): Uncertain significance (1 of 4 stars; one submission).

Conditions:
MC4R-related disorder. Also called: MC4R-related condition.

Submission:

PreventionGenetics, part of Exact Sciences
Classification: Uncertain significance for MC4R-related condition. Last evaluated: 2026-06-10. Review status: criteria provided, single submitter. Criteria: ACMG Guidelines, 2015. Collection method: clinical testing. Allele origin: germline.
Comment: The MC4R c.104A>G variant is predicted to result in the amino acid substitution p.Tyr35Cys. This variant has been reported in the compound heterozygous state in an individual with obesity, and functional studies showed a slight decreased protein expression on cellular surface and ERK1/2 phosphorylation (Gong et al. 2023. PubMed ID: 37140139). This variant is reported in 0.11% of alleles in individuals of East Asian descent in gnomAD. At this time, the clinical significance of this variant is uncertain due to the absence of conclusive functional and genetic evidence.